The following is an entry in ClinVar:

ClinVar aggregate classification (germline): Likely benign (0 of 4 stars; one submission).

Conditions:
BAZ2B-related disorder. Also called: BAZ2B-related condition.

Submission:

PreventionGenetics, part of Exact Sciences
Classification: Likely benign for BAZ2B-related condition. Last evaluated: 2019-03-18. Review status: no assertion criteria provided. Collection method: clinical testing. Allele origin: germline.
Comment: This variant is classified as likely benign based on ACMG/AMP sequence variant interpretation guidelines (Richards et al. 2015 PMID: 25741868, with internal and published modifications).

NM_013450.4(BAZ2B):c.996G>A (p.Ala332=)

Genes: BAZ2B (bromodomain adjacent to zinc finger domain 2B; minus strand), LOC126806391 (MED14-independent group 3 enhancer GRCh37_chr2:160294250-160295449; plus strand). Cytogenetic location: 2q24.2.
Variant type: single nucleotide variant.
Coding change: c.996G>A on transcript NM_013450.4 (MANE Select); coding-DNA position 996, G replaced by A.
Protein change: p.Ala332=; no amino-acid change (alanine 332 retained).
Molecular consequence: synonymous variant.
Genome position (GRCh38, 1-based): chr2:159,438,600, C>T on the plus strand (G>A on the coding strand, the complement: BAZ2B is on the minus strand). VCF-style: chr2-159438600-C-T. GRCh37 (hg19) VCF-style: chr2-160295111-C-T.
Other names: c.990G>A, p.Ala330= (NM_001289975.1); c.807G>A, p.Ala269= (NM_001329857.2); c.996G>A, p.Ala332= (NM_001329858.2).
Identifiers: ClinVar variation 3352874 (VCV003352874.1).